The following is an entry in ClinVar:

NM_001098.3(ACO2):c.985G>A (p.Asp329Asn)

Gene: ACO2 (aconitase 2; plus strand). Cytogenetic location: 22q13.2.
Variant type: single nucleotide variant.
Coding change: c.985G>A on transcript NM_001098.3 (MANE Select); coding-DNA position 985, G replaced by A.
Protein change: p.Asp329Asn; replaces aspartic acid 329 with asparagine.
Molecular consequence: missense variant.
Genome position (GRCh38, 1-based): chr22:41,518,525, G>A. VCF-style: chr22-41518525-G-A. GRCh37 (hg19) VCF-style: chr22-41914529-G-A.
Other names: short protein forms D329N.
Identifiers: ClinVar variation 2097148 (VCV002097148.4), dbSNP rs2518225633, ClinGen allele CA411723029.

ClinVar aggregate classification (germline): Uncertain significance (1 of 4 stars; one submission).

Submission:

Labcorp Genetics (formerly Invitae), Labcorp
Classification: Uncertain significance. Last evaluated: 2022-02-12. Review status: criteria provided, single submitter. Criteria: Invitae Variant Classification Sherloc (09022015). Collection method: clinical testing. Allele origin: germline.
Comment: In summary, the available evidence is currently insufficient to determine the role of this variant in disease. Therefore, it has been classified as a Variant of Uncertain Significance. Advanced modeling of protein sequence and biophysical properties (such as structural, functional, and spatial information, amino acid conservation, physicochemical variation, residue mobility, and thermodynamic stability) performed at Invitae indicates that this missense variant is expected to disrupt ACO2 protein function. This variant has not been reported in the literature in individuals affected with ACO2-related conditions. This variant is not present in population databases (gnomAD no frequency). This sequence change replaces aspartic acid, which is acidic and polar, with asparagine, which is neutral and polar, at codon 329 of the ACO2 protein (p.Asp329Asn).